The following is an entry in ClinVar:

NM_024649.5(BBS1):c.190C>G (p.Gln64Glu)

Gene: BBS1 (Bardet-Biedl syndrome 1; plus strand). Cytogenetic location: 11q13.2.
Variant type: single nucleotide variant.
Coding change: c.190C>G on transcript NM_024649.5 (MANE Select); coding-DNA position 190, C replaced by G.
Protein change: p.Gln64Glu; replaces glutamine 64 with glutamic acid.
Molecular consequence: missense variant.
Genome position (GRCh38, 1-based): chr11:66,514,436, C>G. VCF-style: chr11-66514436-C-G. GRCh37 (hg19) VCF-style: chr11-66281907-C-G.
Other names: short protein forms Q64E.
Identifiers: ClinVar variation 305457 (VCV000305457.15), dbSNP rs369843749, ClinGen allele CA6123287.

ClinVar aggregate classification (germline): Conflicting classifications of pathogenicity. Review status: criteria provided, conflicting classifications (1 of 4 stars). 5 submissions from 5 submitters: Uncertain significance (2); Likely benign (1). 2 of the submissions do not count toward it. Last evaluated 2026-01-24.

Conditions:
BBS1-related disorder. Also called: BBS1-related condition.
Inborn genetic diseases. Identifiers: MedGen C0950123, MeSH D030342.
Bardet-Biedl syndrome (BBS). Identifiers: Orphanet 110, MedGen C0752166, MONDO:0015229.
Bardet-Biedl syndrome 1 (BBS1). Identifiers: MedGen C2936862, MONDO:0008854, OMIM 209900. Disease mechanism: loss of function.

Allele frequency attached by ClinVar (database versions not stated): gnomAD exomes 0.00002 and 0.00004; ExAC 0.00003; gnomAD 0.00003; TOPMed 0.00003; ESP Exome Variant Server 0.00008.
gnomAD v4.1: 32 of 1,614,020 alleles (0.002%); highest among the groups gnomAD compares: Non-Finnish European, 0.000085%; no homozygotes.

Submissions (5):

Labcorp Genetics (formerly Invitae), Labcorp
Classification: Likely benign for Bardet-Biedl syndrome. Last evaluated: 2026-01-24. Review status: criteria provided, single submitter. Criteria: Invitae Variant Classification Sherloc (09022015). Collection method: clinical testing. Allele origin: germline.

Ambry Genetics
Classification: Uncertain significance for Inborn genetic diseases. Last evaluated: 2025-06-19. Review status: criteria provided, single submitter. Criteria: Ambry Variant Classification Scheme 2023. Collection method: clinical testing. Allele origin: germline.

Illumina Laboratory Services, Illumina
Classification: Uncertain significance for Bardet-Biedl syndrome 1. Last evaluated: 2018-01-13. Review status: criteria provided, single submitter. Criteria: ICSL Variant Classification Criteria 13 December 2019. Collection method: clinical testing. Allele origin: germline.

PreventionGenetics, part of Exact Sciences
Classification: Uncertain significance for BBS1-related condition. Last evaluated: 2024-02-12. Review status: no assertion criteria provided. Collection method: clinical testing. Allele origin: germline. Not counted in ClinVar's aggregate classification.
Comment: The BBS1 c.190C>G variant is predicted to result in the amino acid substitution p.Gln64Glu. To our knowledge, this variant has not been reported in the literature. This variant is reported in 0.099% of alleles in individuals of Ashkenazi Jewish descent in gnomAD. Although we suspect that this variant may be benign, at this time, the clinical significance of this variant is uncertain due to the absence of conclusive functional and genetic evidence.

Natera, Inc.
Classification: Uncertain significance for Bardet-Biedl syndrome type 1. Last evaluated: 2019-10-28. Review status: no assertion criteria provided. Collection method: clinical testing. Allele origin: germline. Not counted in ClinVar's aggregate classification.